The following is an entry in ClinVar:

NM_000632.4(ITGAM):c.1135T>G (p.Phe379Val)

Gene: ITGAM (integrin subunit alpha M; plus strand). Cytogenetic location: 16p11.2.
Variant type: single nucleotide variant.
Coding change: c.1135T>G on transcript NM_000632.4 (MANE Select); coding-DNA position 1135, T replaced by G.
Protein change: p.Phe379Val; replaces phenylalanine 379 with valine.
Molecular consequence: missense variant.
Genome position (GRCh38, 1-based): chr16:31,276,971, T>G. VCF-style: chr16-31276971-T-G. GRCh37 (hg19) VCF-style: chr16-31288292-T-G.
Other names: c.1135T>G, p.Phe379Val (NM_001145808.2); short protein forms F379V.
Identifiers: ClinVar variation 2048828 (VCV002048828.4), dbSNP rs2544397431, ClinGen allele CA395699175.

ClinVar aggregate classification (germline): Uncertain significance (1 of 4 stars; one submission).

Submission:

Labcorp Genetics (formerly Invitae), Labcorp
Classification: Uncertain significance. Last evaluated: 2021-12-19. Review status: criteria provided, single submitter. Criteria: Invitae Variant Classification Sherloc (09022015). Collection method: clinical testing. Allele origin: germline.
Comment: In summary, the available evidence is currently insufficient to determine the role of this variant in disease. Therefore, it has been classified as a Variant of Uncertain Significance. Algorithms developed to predict the effect of missense changes on protein structure and function (SIFT, PolyPhen-2, Align-GVGD) all suggest that this variant is likely to be disruptive. This variant has not been reported in the literature in individuals affected with ITGAM-related conditions. This variant is not present in population databases (gnomAD no frequency). This sequence change replaces phenylalanine, which is neutral and non-polar, with valine, which is neutral and non-polar, at codon 379 of the ITGAM protein (p.Phe379Val).